The following is an entry in ClinVar:

ClinVar aggregate classification (germline): Likely pathogenic (1 of 4 stars; one submission).

Submission:

GeneDx
Classification: Likely pathogenic. Last evaluated: 2015-07-30. Review status: criteria provided, single submitter. Criteria: GeneDx Variant Classification (06012015). Collection method: clinical testing. Allele origin: germline. Affected: yes.
Comment: The L1290R variant in the SPTBN2 gene has not been published as a pathogenic variant, nor has it been reported as a benign polymorphism to our knowledge. The L1290R variant was not observed in approximately 6500 individuals of European and African American ancestry in the NHLBI Exome Sequencing Project, indicating it is not a common benign variant in these populations. The L1290R variant is a non-conservative amino acid substitution, which is likely to impact secondary protein structure as these residues differ in polarity, charge, size and/or other properties. This substitution occurs at a position that is conserved across species, and in silico analysis predicts this variant is probably damaging to the protein structure/function. As an alternate mechanism, this variant (c.3869 T>G) is predicted to destroy or damage the cannonical splice acceptor site of exon 19 and may cause abnormal splicing; but in the absence of RNA/functional studies, the actual effect on splicing is unknown. The L1290R variant is a strong candidate for a disease-causing variant, however the possibility it may be a rare benign variant cannot be excluded.

NM_006946.4(SPTBN2):c.3869T>G (p.Leu1290Arg)

Gene: SPTBN2 (spectrin beta, non-erythrocytic 2; minus strand). Cytogenetic location: 11q13.2.
Variant type: single nucleotide variant.
Coding change: c.3869T>G on transcript NM_006946.4 (MANE Select); coding-DNA position 3869, T replaced by G.
Protein change: p.Leu1290Arg; replaces leucine 1290 with arginine.
Molecular consequence: missense variant.
Genome position (GRCh38, 1-based): chr11:66,698,784, A>C on the plus strand (T>G on the coding strand, the complement: SPTBN2 is on the minus strand). VCF-style: chr11-66698784-A-C. GRCh37 (hg19) VCF-style: chr11-66466255-A-C.
Other names: short protein forms L1290R.
Identifiers: ClinVar variation 427038 (VCV000427038.2), dbSNP rs1085307915, ClinGen allele CA381471561.